The following is an entry in ClinVar:

NM_198253.3(TERT):c.1420C>T (p.Pro474Ser)

Gene: TERT (telomerase reverse transcriptase; minus strand). Cytogenetic location: 5p15.33.
Variant type: single nucleotide variant.
Coding change: c.1420C>T on transcript NM_198253.3 (MANE Select); coding-DNA position 1420, C replaced by T.
Protein change: p.Pro474Ser; replaces proline 474 with serine.
Molecular consequence: missense variant. On other transcripts: non-coding transcript variant (2).
Genome position (GRCh38, 1-based): chr5:1,293,466, G>A on the plus strand (C>T on the coding strand, the complement: TERT is on the minus strand). VCF-style: chr5-1293466-G-A. GRCh37 (hg19) VCF-style: chr5-1293581-G-A.
Other names: c.1420C>T (NM_198253.2); c.1420C>T, p.Pro474Ser (NM_001193376.3); short protein forms P474S.
Identifiers: ClinVar variation 1036165 (VCV001036165.8), dbSNP rs1302718699, ClinGen allele CA359085700.
Genomic context (GRCh38, chr5:1,293,466, plus strand): 5'-ACTTCTTGGTGTTCCTGAGGAAGCGGCGTTCGTTGTGCCTGGAGCCCCAGAGGCCTGGGG[G>A]CACCAGCCGGCGCAGGCAGGCCCGCACGAAGCCGTACACCTGCCAGGGGCTGCTGTGCTG-3'
Protein context (NP_937983.2, residues 464-484): FVRACLRRLV[Pro474Ser]PGLWGSRHNE

ClinVar aggregate classification (germline): Uncertain significance. Review status: criteria provided, multiple submitters, no conflicts (2 of 4 stars). 2 submissions from 2 submitters: Uncertain significance (2). Last evaluated 2025-02-20.

Conditions:
Idiopathic Pulmonary Fibrosis. Also called: Idiopathic fibrosing alveolitis, chronic form; idiopathic fibrosing alveolitis. Identifiers: Orphanet 2032, MedGen C1800706, MeSH D054990, MONDO:0800504.
Dyskeratosis congenita, autosomal dominant 2. Identifiers: MedGen C3151443, MONDO:0013521, OMIM 613989.
Dyskeratosis congenita. Identifiers: Orphanet 1775, MedGen C0265965, MONDO:0015780.

Allele frequency attached by ClinVar (database versions not stated): gnomAD exomes below 0.00001; TOPMed 0.00001.
gnomAD v4.1: 3 of 1,606,738 alleles (0.00019%); highest among the groups gnomAD compares: African/African-American, 0.0013%; no homozygotes.

Submissions (2):

Ambry Genetics
Classification: Uncertain significance for Dyskeratosis congenita. Last evaluated: 2025-02-20. Review status: criteria provided, single submitter. Criteria: Ambry Variant Classification Scheme 2023. Collection method: clinical testing. Allele origin: germline.
Comment: The p.P474S variant (also known as c.1420C>T), located in coding exon 2 of the TERT gene, results from a C to T substitution at nucleotide position 1420. The proline at codon 474 is replaced by serine, an amino acid with similar properties. This variant was reported in individual(s) with features consistent with idiopathic pulmonary fibrosis (Dressen A et al. Lancet Respir Med, 2018 Aug;6:603-614). This amino acid position is well conserved in available vertebrate species. In addition, the in silico prediction for this alteration is inconclusive. Based on the available evidence, the clinical significance of this variant remains unclear.

Labcorp Genetics (formerly Invitae), Labcorp
Classification: Uncertain significance for Dyskeratosis congenita, autosomal dominant 2; Idiopathic Pulmonary Fibrosis. Last evaluated: 2022-09-12. Review status: criteria provided, single submitter. Criteria: Invitae Variant Classification Sherloc (09022015). Collection method: clinical testing. Allele origin: germline.
Comment: In summary, the available evidence is currently insufficient to determine the role of this variant in disease. Therefore, it has been classified as a Variant of Uncertain Significance. Advanced modeling of protein sequence and biophysical properties (such as structural, functional, and spatial information, amino acid conservation, physicochemical variation, residue mobility, and thermodynamic stability) performed at Invitae indicates that this missense variant is expected to disrupt TERT protein function. ClinVar contains an entry for this variant (Variation ID: 1036165). This variant has not been reported in the literature in individuals affected with TERT-related conditions. The frequency data for this variant in the population databases is considered unreliable, as metrics indicate poor data quality at this position in the gnomAD database. This sequence change replaces proline, which is neutral and non-polar, with serine, which is neutral and polar, at codon 474 of the TERT protein (p.Pro474Ser).

Literature cited by the submitters: PubMed 29891356 (cited by Ambry Genetics).